The following is an entry in ClinVar:

NM_002528.7(NTHL1):c.526-5T>C

Gene: NTHL1 (nth like DNA glycosylase 1; minus strand). Cytogenetic location: 16p13.3.
Variant type: single nucleotide variant.
Coding change: c.526-5T>C on transcript NM_002528.7 (MANE Select); 5 bases into the intron before coding-DNA position 526, T replaced by C.
Molecular consequence: intron variant.
Genome position (GRCh38, 1-based): chr16:2,043,731, A>G on the plus strand (T>C on the coding strand, the complement: NTHL1 is on the minus strand). VCF-style: chr16-2043731-A-G. GRCh37 (hg19) VCF-style: chr16-2093732-A-G.
Other names: c.196-5T>C (NM_001318194.2); c.355-5T>C (NM_001318193.2); c.550-5T>C (NM_002528.6, NM_002528.5).
Identifiers: ClinVar variation 1382810 (VCV001382810.9), dbSNP rs2150941454, ClinGen allele CA2573151793.

ClinVar aggregate classification (germline): Conflicting classifications of pathogenicity. Review status: criteria provided, conflicting classifications (1 of 4 stars). 3 submissions from 3 submitters: Uncertain significance (2); Likely benign (1). Last evaluated 2026-04-07.

Conditions:
Hereditary cancer-predisposing syndrome. Also called: Neoplastic Syndromes, Hereditary; Tumor predisposition; Hereditary Cancer Syndrome; Hereditary neoplastic syndrome. Identifiers: Orphanet 140162, MedGen C0027672, MeSH D009386, MONDO:0015356.

Submissions (3):

Ambry Genetics
Classification: Uncertain significance for Hereditary cancer-predisposing syndrome. Last evaluated: 2026-04-07. Review status: criteria provided, single submitter. Criteria: Ambry Variant Classification Scheme 2023. Collection method: clinical testing. Allele origin: germline.
Comment: The c.550-5T>C intronic variant results from a T to C substitution 5 nucleotides upstream from coding exon 4 in the NTHL1 gene. This nucleotide position is highly conserved in available vertebrate species. In silico splice site analysis for this alteration is inconclusive. Based on the available evidence, the clinical significance of this variant remains unclear.

Labcorp Genetics (formerly Invitae), Labcorp
Classification: Likely benign. Last evaluated: 2024-10-31. Review status: criteria provided, single submitter. Criteria: Invitae Variant Classification Sherloc (09022015). Collection method: clinical testing. Allele origin: germline.

Quest Diagnostics Nichols Institute San Juan Capistrano
Classification: Uncertain significance. Last evaluated: 2024-03-29. Review status: criteria provided, single submitter. Criteria: Quest Diagnostics criteria. Collection method: clinical testing. Allele origin: unknown.
Comment: The NTHL1 c.550-5T>C variant has not been reported in individuals with NTHL1-related conditions in the published literature. It also has not been reported in large, multi-ethnic general populations (Genome Aggregation Database). Analysis of this variant using software algorithms for the prediction of the effect of nucleotide changes on splicing yielded predictions that this variant may affect proper NTHL1 mRNA splicing. Based on the available information, we are unable to determine the clinical significance of this variant.